The following is an entry in ClinVar:

NM_139321.3(ATRN):c.967C>G (p.Pro323Ala)

Gene: ATRN (attractin; plus strand). Cytogenetic location: 20p13.
Variant type: single nucleotide variant.
Coding change: c.967C>G on transcript NM_139321.3 (MANE Select); coding-DNA position 967, C replaced by G.
Protein change: p.Pro323Ala; replaces proline 323 with alanine.
Molecular consequence: missense variant.
Genome position (GRCh38, 1-based): chr20:3,549,193, C>G. VCF-style: chr20-3549193-C-G. GRCh37 (hg19) VCF-style: chr20-3529840-C-G.
Other names: c.619C>G, p.Pro207Ala (NM_001207047.3); c.967C>G, p.Pro323Ala (NM_001323332.2, NM_139322.4); short protein forms P207A, P323A.
Identifiers: ClinVar variation 4690934 (VCV004690934.1).

ClinVar aggregate classification (germline): Uncertain significance (1 of 4 stars; one submission).

Submission:

Labcorp Genetics (formerly Invitae), Labcorp
Classification: Uncertain significance. Last evaluated: 2025-04-01. Review status: criteria provided, single submitter. Criteria: Invitae Variant Classification Sherloc (09022015). Collection method: clinical testing. Allele origin: germline.
Comment: This sequence change replaces proline, which is neutral and non-polar, with alanine, which is neutral and non-polar, at codon 323 of the ATRN protein (p.Pro323Ala). This variant is not present in population databases (gnomAD no frequency). This variant has not been reported in the literature in individuals affected with ATRN-related conditions. An algorithm developed to predict the effect of missense changes on protein structure and function (PolyPhen-2) suggests that this variant is likely to be tolerated. In summary, the available evidence is currently insufficient to determine the role of this variant in disease. Therefore, it has been classified as a Variant of Uncertain Significance.